The following is an entry in ClinVar:

ClinVar aggregate classification (germline): Uncertain significance (1 of 4 stars; one submission).

Submission:

Labcorp Genetics (formerly Invitae), Labcorp
Classification: Uncertain significance. Last evaluated: 2023-01-22. Review status: criteria provided, single submitter. Criteria: Invitae Variant Classification Sherloc (09022015). Collection method: clinical testing. Allele origin: germline.
Comment: Algorithms developed to predict the effect of missense changes on protein structure and function (SIFT, PolyPhen-2, Align-GVGD) all suggest that this variant is likely to be disruptive. In summary, the available evidence is currently insufficient to determine the role of this variant in disease. Therefore, it has been classified as a Variant of Uncertain Significance. This variant has not been reported in the literature in individuals affected with FAR1-related conditions. This variant is not present in population databases (gnomAD no frequency). This sequence change replaces serine, which is neutral and polar, with proline, which is neutral and non-polar, at codon 230 of the FAR1 protein (p.Ser230Pro).

NM_032228.6(FAR1):c.688T>C (p.Ser230Pro)

Gene: FAR1 (fatty acyl-CoA reductase 1; plus strand). Cytogenetic location: 11p15.3.
Variant type: single nucleotide variant.
Coding change: c.688T>C on transcript NM_032228.6 (MANE Select); coding-DNA position 688, T replaced by C.
Protein change: p.Ser230Pro; replaces serine 230 with proline.
Molecular consequence: missense variant.
Genome position (GRCh38, 1-based): chr11:13,710,835, T>C. VCF-style: chr11-13710835-T-C. GRCh37 (hg19) VCF-style: chr11-13732382-T-C.
Other names: short protein forms S230P.
Identifiers: ClinVar variation 2831146 (VCV002831146.3), dbSNP rs2500132756, ClinGen allele CA379857465.